The following is an entry in ClinVar:

NC_000011.9:g.(?_678674)_(688480_?)dup

Gene: DEAF1 (DEAF1 transcription factor; minus strand). Cytogenetic location: 11p15.5.
Variant type: Duplication.
Identifiers: ClinVar variation 3244781 (VCV003244781.1).

ClinVar aggregate classification (germline): Likely pathogenic (1 of 4 stars; one submission).

Submission:

Labcorp Genetics (formerly Invitae), Labcorp
Classification: Likely pathogenic. Last evaluated: 2023-12-16. Review status: criteria provided, single submitter. Criteria: Invitae Variant Classification Sherloc (09022015). Collection method: clinical testing. Allele origin: unknown.
Comment: This variant results in a copy number gain of the genomic region encompassing exon(s) 3-9 of the DEAF1 gene. While the exact position of this variant cannot be determined from the data, sub-genic copy number gains are generally in tandem (PMID: 25640679). This variant is predicted to be out-of-frame, and may result in an absent or disrupted protein product. Loss-of-function variants in DEAF1 are known to be pathogenic (PMID: 30923367). This variant has not been reported in the literature in individuals affected with DEAF1-related conditions. In summary, the currently available evidence indicates that the variant is pathogenic, but additional data are needed to prove that conclusively. Therefore, this variant has been classified as Likely Pathogenic.

Literature cited by the submitters: PubMed 25640679; PubMed 30923367.